The following is an entry in ClinVar:

ClinVar aggregate classification (germline): Uncertain significance (1 of 4 stars; one submission).

Allele frequency attached by ClinVar (database versions not stated): TOPMed below 0.00001; gnomAD 0.00001; 1000 Genomes Project 0.00020; 1000 Genomes Project 30x 0.00031.
gnomAD v4.1: 14 of 1,612,136 alleles (0.00087%); highest among the groups gnomAD compares: East Asian, 0.0022%; no homozygotes.

Submission:

Labcorp Genetics (formerly Invitae), Labcorp
Classification: Uncertain significance. Last evaluated: 2025-08-18. Review status: criteria provided, single submitter. Criteria: Invitae Variant Classification Sherloc (09022015). Collection method: clinical testing. Allele origin: germline.
Comment: This sequence change replaces glutamic acid, which is acidic and polar, with lysine, which is basic and polar, at codon 749 of the CACNA2D4 protein (p.Glu749Lys). The frequency data for this variant in the population databases is considered unreliable, as metrics indicate poor data quality at this position in the gnomAD database. This variant has not been reported in the literature in individuals affected with CACNA2D4-related conditions. ClinVar contains an entry for this variant (Variation ID: 960646). An algorithm developed to predict the effect of missense changes on protein structure and function (PolyPhen-2) suggests that this variant is likely to be tolerated. In summary, the available evidence is currently insufficient to determine the role of this variant in disease. Therefore, it has been classified as a Variant of Uncertain Significance.

NM_172364.5(CACNA2D4):c.2245G>A (p.Glu749Lys)

Gene: CACNA2D4 (calcium voltage-gated channel auxiliary subunit alpha2delta 4; minus strand). Cytogenetic location: 12p13.33.
Variant type: single nucleotide variant.
Coding change: c.2245G>A on transcript NM_172364.5 (MANE Select); coding-DNA position 2245, G replaced by A.
Protein change: p.Glu749Lys; replaces glutamic acid 749 with lysine.
Molecular consequence: missense variant.
Genome position (GRCh38, 1-based): chr12:1,853,952, C>T on the plus strand (G>A on the coding strand, the complement: CACNA2D4 is on the minus strand). VCF-style: chr12-1853952-C-T. GRCh37 (hg19) VCF-style: chr12-1963118-C-T.
Other names: short protein forms E749K.
Identifiers: ClinVar variation 960646 (VCV000960646.10), dbSNP rs571231247, ClinGen allele CA6386790.